The following is an entry in ClinVar:

NM_015057.5(MYCBP2):c.10142G>T (p.Gly3381Val)

Gene: MYCBP2 (MYC binding protein 2; minus strand). Cytogenetic location: 13q22.3.
Variant type: single nucleotide variant.
Coding change: c.10142G>T on transcript NM_015057.5 (MANE Select); coding-DNA position 10142, G replaced by T.
Protein change: p.Gly3381Val; replaces glycine 3381 with valine.
Molecular consequence: missense variant.
Genome position (GRCh38, 1-based): chr13:77,095,415, C>A on the plus strand (G>T on the coding strand, the complement: MYCBP2 is on the minus strand). VCF-style: chr13-77095415-C-A. GRCh37 (hg19) VCF-style: chr13-77669550-C-A.
Other names: short protein forms G3381V.
Identifiers: ClinVar variation 1800598 (VCV001800598.2), dbSNP rs2503484041, ClinGen allele CA388386919.

ClinVar aggregate classification (germline): Uncertain significance (1 of 4 stars; one submission).

Submission:

GeneDx
Classification: Uncertain significance. Last evaluated: 2025-10-11. Review status: criteria provided, single submitter. Criteria: GeneDx Variant Classification Process June 2021. Collection method: clinical testing. Allele origin: germline.
Comment: Not observed at significant frequency in large population cohorts (gnomAD); In silico analysis supports that this missense variant has a deleterious effect on protein structure/function; Has not been previously published as pathogenic or benign to our knowledge